The following is an entry in ClinVar:

ClinVar aggregate classification (germline): Likely benign (0 of 4 stars; one submission).

Conditions:
TBX21-related disorder. Also called: TBX21-related condition.

Allele frequency attached by ClinVar (database versions not stated): ExAC 0.00006; gnomAD 0.00014; TOPMed 0.00017.

Submission:

PreventionGenetics, part of Exact Sciences
Classification: Likely benign for TBX21-related condition. Last evaluated: 2019-07-19. Review status: no assertion criteria provided. Collection method: clinical testing. Allele origin: germline.
Comment: This variant is classified as likely benign based on ACMG/AMP sequence variant interpretation guidelines (Richards et al. 2015 PMID: 25741868, with internal and published modifications).

NM_013351.2(TBX21):c.928-6C>G

Gene: TBX21 (T-box transcription factor 21; plus strand). Cytogenetic location: 17q21.32.
Variant type: single nucleotide variant.
Coding change: c.928-6C>G on transcript NM_013351.2 (MANE Select); 6 bases into the intron before coding-DNA position 928, C replaced by G.
Molecular consequence: intron variant.
Genome position (GRCh38, 1-based): chr17:47,744,476, C>G. VCF-style: chr17-47744476-C-G. GRCh37 (hg19) VCF-style: chr17-45821842-C-G.
Identifiers: ClinVar variation 3050348 (VCV003050348.2), dbSNP rs775445949, ClinGen allele CA8626412.